The following is an entry in ClinVar:

ClinVar aggregate classification (germline): Uncertain significance. Review status: criteria provided, multiple submitters, no conflicts (2 of 4 stars). 2 submissions from 2 submitters: Uncertain significance (2). Last evaluated 2025-09-25.

Conditions:
Pontocerebellar hypoplasia type 1B. Also called: EXOSC3 Pontocerebellar Hypoplasia. Identifiers: Orphanet 2254, MedGen C3553449, MONDO:0013853, OMIM 614678.
Inborn genetic diseases. Identifiers: MedGen C0950123, MeSH D030342.

Allele frequency attached by ClinVar (database versions not stated): gnomAD exomes 0.00001; gnomAD 0.00002.

Submissions (2):

Ambry Genetics
Classification: Uncertain significance for Inborn genetic diseases. Last evaluated: 2025-09-25. Review status: criteria provided, single submitter. Criteria: Ambry Variant Classification Scheme 2023. Collection method: clinical testing. Allele origin: germline.

Labcorp Genetics (formerly Invitae), Labcorp
Classification: Uncertain significance for Pontocerebellar hypoplasia type 1B. Last evaluated: 2022-06-03. Review status: criteria provided, single submitter. Criteria: Invitae Variant Classification Sherloc (09022015). Collection method: clinical testing. Allele origin: germline.
Comment: This sequence change replaces arginine, which is basic and polar, with cysteine, which is neutral and slightly polar, at codon 21 of the EXOSC3 protein (p.Arg21Cys). This variant is present in population databases (no rsID available, gnomAD 0.004%). This variant has not been reported in the literature in individuals affected with EXOSC3-related conditions. Algorithms developed to predict the effect of missense changes on protein structure and function output the following: SIFT: "Deleterious"; PolyPhen-2: "Benign"; Align-GVGD: "Class C0". The cysteine amino acid residue is found in multiple mammalian species, which suggests that this missense change does not adversely affect protein function. In summary, the available evidence is currently insufficient to determine the role of this variant in disease. Therefore, it has been classified as a Variant of Uncertain Significance.

NM_016042.4(EXOSC3):c.61C>T (p.Arg21Cys)

Gene: EXOSC3 (exosome component 3; minus strand). Cytogenetic location: 9p13.2.
Variant type: single nucleotide variant.
Coding change: c.61C>T on transcript NM_016042.4 (MANE Select); coding-DNA position 61, C replaced by T.
Protein change: p.Arg21Cys; replaces arginine 21 with cysteine.
Molecular consequence: missense variant.
Genome position (GRCh38, 1-based): chr9:37,784,984, G>A on the plus strand (C>T on the coding strand, the complement: EXOSC3 is on the minus strand). VCF-style: chr9-37784984-G-A. GRCh37 (hg19) VCF-style: chr9-37784981-G-A.
Other names: c.61C>T, p.Arg21Cys (NM_001002269.2); c.61C>T (NM_016042.2); short protein forms R21C.
Identifiers: ClinVar variation 1902791 (VCV001902791.3), dbSNP rs983715030, ClinGen allele CA192954123.
Genomic context (GRCh38, chr9:37,784,984, plus strand): 5'-CCTCCTGTTCCGGCAGGAGCAGCTCCTCACCCGGGAGCACCACCTGACCTAGTACTGTGC[G>A]TGCAGCGCGCGCCCTGCTGCCCGCGAGAGATTCAGCCGCGACAGACGCAGGTTCGGCCAT-3'
Protein context (NP_057126.2, residues 11-31): SLAGSRARAA[Arg21Cys]TVLGQVVLPG